The following is an entry in ClinVar:

NM_000435.3(NOTCH3):c.4306C>G (p.Leu1436Val)

Gene: NOTCH3 (notch receptor 3; minus strand). Cytogenetic location: 19p13.12.
Variant type: single nucleotide variant.
Coding change: c.4306C>G on transcript NM_000435.3 (MANE Select); coding-DNA position 4306, C replaced by G.
Protein change: p.Leu1436Val; replaces leucine 1436 with valine.
Molecular consequence: missense variant.
Genome position (GRCh38, 1-based): chr19:15,177,622, G>C on the plus strand (C>G on the coding strand, the complement: NOTCH3 is on the minus strand). VCF-style: chr19-15177622-G-C. GRCh37 (hg19) VCF-style: chr19-15288433-G-C.
Other names: short protein forms L1436V.
Identifiers: ClinVar variation 4537801 (VCV004537801.1).
Genomic context (GRCh38, chr19:15,177,622, plus strand): 5'-AGTTGTCGTAGAGGCAGGCGGGCGAGCTGCAGGCGGGGTCGCAGCGGCTGTTGTTGAAGA[G>C]GCGCCAGCACTGCAGCGCCTCGCATTGCCGCCAGGGGTCGCCCACGCTCAGCGAGCAGTC-3'
Protein context (NP_000426.2, residues 1426-1446): RQCEALQCWR[Leu1436Val]FNNSRCDPAC

ClinVar aggregate classification (germline): Uncertain significance (1 of 4 stars; one submission).

gnomAD v4.1: 2 of 1,587,520 alleles (0.00013%); highest among the groups gnomAD compares: Non-Finnish European, 0.00017%; no homozygotes.

Submission:

GeneDx
Classification: Uncertain significance. Last evaluated: 2025-06-13. Review status: criteria provided, single submitter. Criteria: GeneDx Variant Classification Process June 2021. Collection method: clinical testing. Allele origin: germline. Affected: yes.
Comment: Not observed at significant frequency in large population cohorts (gnomAD); In silico analysis suggests that this missense variant does not alter protein structure/function; Has not been previously published as pathogenic or benign to our knowledge